The following is an entry in ClinVar:

NM_017934.7(PHIP):c.1020C>A (p.Ser340Arg)

Gene: PHIP (pleckstrin homology domain interacting protein; minus strand). Cytogenetic location: 6q14.1.
Variant type: single nucleotide variant.
Coding change: c.1020C>A on transcript NM_017934.7 (MANE Select); coding-DNA position 1020, C replaced by A.
Protein change: p.Ser340Arg; replaces serine 340 with arginine.
Molecular consequence: missense variant.
Genome position (GRCh38, 1-based): chr6:79,017,558, G>T on the plus strand (C>A on the coding strand, the complement: PHIP is on the minus strand). VCF-style: chr6-79017558-G-T. GRCh37 (hg19) VCF-style: chr6-79727275-G-T.
Other names: short protein forms S340R.
Identifiers: ClinVar variation 3364575 (VCV003364575.1).

ClinVar aggregate classification (germline): Uncertain significance (1 of 4 stars; one submission).

Submission:

GeneDx
Classification: Uncertain significance. Last evaluated: 2023-11-27. Review status: criteria provided, single submitter. Criteria: GeneDx Variant Classification Process June 2021. Collection method: clinical testing. Allele origin: germline. Affected: yes.
Comment: Not observed at significant frequency in large population cohorts (gnomAD); In silico analysis supports that this missense variant has a deleterious effect on protein structure/function; Has not been previously published as pathogenic or benign to our knowledge